The following is an entry in ClinVar:

NM_181078.3(IL21R):c.1243G>C (p.Glu415Gln)

Genes: IL21R (interleukin 21 receptor; plus strand), IL21R-AS1 (IL21R antisense RNA 1; minus strand). Cytogenetic location: 16p12.1.
Variant type: single nucleotide variant.
Coding change: c.1243G>C on transcript NM_181078.3 (MANE Select); coding-DNA position 1243, G replaced by C.
Protein change: p.Glu415Gln; replaces glutamic acid 415 with glutamine.
Molecular consequence: missense variant. On other transcripts: non-coding transcript variant (1).
Genome position (GRCh38, 1-based): chr16:27,448,909, G>C. VCF-style: chr16-27448909-G-C. GRCh37 (hg19) VCF-style: chr16-27460230-G-C.
Other names: c.1309G>C (NM_181079.4); c.1243G>C, p.Glu415Gln (NM_021798.4); c.1309G>C, p.Glu437Gln (NM_181079.5); short protein forms E415Q, E437Q.
Identifiers: ClinVar variation 1038846 (VCV001038846.10), dbSNP rs2087536408, ClinGen allele CA395307953.

ClinVar aggregate classification (germline): Uncertain significance. Review status: criteria provided, multiple submitters, no conflicts (2 of 4 stars). 2 submissions from 2 submitters: Uncertain significance (2). Last evaluated 2025-08-09.

Conditions:
Inborn genetic diseases. Identifiers: MedGen C0950123, MeSH D030342.
Cryptosporidiosis-chronic cholangitis-liver disease syndrome. Also called: IL21R immunodeficiency; Immunodeficiency type 56. Identifiers: Orphanet 357329, MedGen C3554687, MONDO:0014082, OMIM 615207.

Allele frequency attached by ClinVar (database versions not stated): gnomAD exomes below 0.00001.
gnomAD v4.1: 2 of 1,612,338 alleles (0.00012%); highest among the groups gnomAD compares: Non-Finnish European, 0.00017%; no homozygotes.

Submissions (2):

Ambry Genetics
Classification: Uncertain significance for Inborn genetic diseases. Last evaluated: 2025-08-09. Review status: criteria provided, single submitter. Criteria: Ambry Variant Classification Scheme 2023. Collection method: clinical testing. Allele origin: germline.

Labcorp Genetics (formerly Invitae), Labcorp
Classification: Uncertain significance for Cryptosporidiosis-chronic cholangitis-liver disease syndrome. Last evaluated: 2022-11-28. Review status: criteria provided, single submitter. Criteria: Invitae Variant Classification Sherloc (09022015). Collection method: clinical testing. Allele origin: germline.
Comment: This sequence change replaces glutamic acid, which is acidic and polar, with glutamine, which is neutral and polar, at codon 415 of the IL21R protein (p.Glu415Gln). This variant is not present in population databases (gnomAD no frequency). This variant has not been reported in the literature in individuals affected with IL21R-related conditions. ClinVar contains an entry for this variant (Variation ID: 1038846). Algorithms developed to predict the effect of missense changes on protein structure and function output the following: SIFT: "Tolerated"; PolyPhen-2: "Benign"; Align-GVGD: "Class C0". The glutamine amino acid residue is found in multiple mammalian species, which suggests that this missense change does not adversely affect protein function. In summary, the available evidence is currently insufficient to determine the role of this variant in disease. Therefore, it has been classified as a Variant of Uncertain Significance.